The following is an entry in ClinVar:

ClinVar aggregate classification (germline): Uncertain significance (1 of 4 stars; one submission).

gnomAD v4.1: 115 of 1,614,040 alleles (0.0071%); highest among the groups gnomAD compares: South Asian, 0.024%; no homozygotes.

Submission:

GeneDx
Classification: Uncertain significance. Last evaluated: 2024-01-22. Review status: criteria provided, single submitter. Criteria: GeneDx Variant Classification Process June 2021. Collection method: clinical testing. Allele origin: germline. Affected: yes.
Comment: Identified in the heterozygous state in a patient with thyroid dysgenesis in published literature (PMID: 32459320); In silico analysis supports that this missense variant has a deleterious effect on protein structure/function; This variant is associated with the following publications: (PMID: 32459320)

NM_024077.5(SECISBP2):c.1880G>A (p.Arg627His)

Gene: SECISBP2 (SECIS binding protein 2; plus strand). Cytogenetic location: 9q22.2.
Variant type: single nucleotide variant.
Coding change: c.1880G>A on transcript NM_024077.5 (MANE Select); coding-DNA position 1880, G replaced by A.
Protein change: p.Arg627His; replaces arginine 627 with histidine.
Molecular consequence: missense variant.
Genome position (GRCh38, 1-based): chr9:89,349,917, G>A. VCF-style: chr9-89349917-G-A. GRCh37 (hg19) VCF-style: chr9-91964832-G-A.
Other names: c.1877G>A, p.Arg626His (NM_001282688.2); c.1661G>A, p.Arg554His (NM_001282689.2); c.1676G>A, p.Arg559His (NM_001282690.1); c.1763G>A, p.Arg588His (NM_001354696.2); c.1766G>A, p.Arg589His (NM_001354697.2); c.1673G>A, p.Arg558His (NM_001354698.2); c.995G>A, p.Arg332His (NM_001354702.2); short protein forms R332H, R554H, R558H, R559H, R588H, R589H, R626H, R627H.
Identifiers: ClinVar variation 3343868 (VCV003343868.1).